The following is an entry in ClinVar:

NM_002878.4(RAD51D):c.82+5_82+12del

Genes: RAD51D (RAD51 paralog D; minus strand), RAD51L3-RFFL (RAD51L3-RFFL readthrough; minus strand). Cytogenetic location: 17q12.
Variant type: Deletion.
Coding change: c.82+5_82+12del on transcript NM_002878.4 (MANE Select); bases 5 to 12 of the intron after coding-DNA position 82, 8 bases deleted (CCGGGTGT; older notation c.82+5_82+12delCCGGGTGT).
Molecular consequence: intron variant.
Genome position (GRCh38, 1-based): chr17:35,119,520-35,119,527, ACACCCGG deleted on the plus strand (CCGGGTGT on the coding strand, the reverse complement: RAD51D is on the minus strand). VCF-style (leftmost placement, unchanged base first): chr17-35119519-CACACCCGG-C. GRCh37 (hg19) VCF-style: chr17-33446538-CACACCCGG-C.
Other names: c.82+5_82+12del (NM_133629.3, NM_001142571.2); c.82+5_82+12delCCGGGTGT (NM_002878.3).
Identifiers: ClinVar variation 669233 (VCV000669233.1), dbSNP rs1597878477, ClinGen allele CA915949996.

ClinVar aggregate classification (germline): Likely benign (1 of 4 stars; one submission).

Submission:

GeneDx
Classification: Likely benign. Last evaluated: 2018-05-29. Review status: criteria provided, single submitter. Criteria: GeneDx Variant Classification (06012015). Collection method: clinical testing. Allele origin: germline. Affected: yes.
Comment: This variant is considered likely benign or benign based on one or more of the following criteria: it is a conservative change, it occurs at a poorly conserved position in the protein, it is predicted to be benign by multiple in silico algorithms, and/or has population frequency not consistent with disease.